The following is an entry in ClinVar:

NM_003476.5(CSRP3):c.119G>A (p.Cys40Tyr)

Gene: CSRP3 (cysteine and glycine rich protein 3; minus strand). Cytogenetic location: 11p15.1.
Variant type: single nucleotide variant.
Coding change: c.119G>A on transcript NM_003476.5 (MANE Select); coding-DNA position 119, G replaced by A.
Protein change: p.Cys40Tyr; replaces cysteine 40 with tyrosine.
Molecular consequence: missense variant. On other transcripts: intron variant (1).
Genome position (GRCh38, 1-based): chr11:19,188,298, C>T on the plus strand (G>A on the coding strand, the complement: CSRP3 is on the minus strand). VCF-style: chr11-19188298-C-T. GRCh37 (hg19) VCF-style: chr11-19209845-C-T.
Other names: c.113-1950G>A (NM_001369404.1); short protein forms C40Y.
Identifiers: ClinVar variation 663563 (VCV000663563.8), dbSNP rs1590104486, ClinGen allele CA379888440.

ClinVar aggregate classification (germline): Uncertain significance (1 of 4 stars; one submission).

Conditions:
Hypertrophic cardiomyopathy 12. Identifiers: MedGen C2677491, MONDO:0012804, OMIM 612124.
Dilated cardiomyopathy 1M (CMD1M). Identifiers: Orphanet 154, MedGen C1843808, MONDO:0011840, OMIM 607482.

Submission:

Labcorp Genetics (formerly Invitae), Labcorp
Classification: Uncertain significance for Hypertrophic cardiomyopathy 12; Dilated cardiomyopathy 1M. Last evaluated: 2018-10-26. Review status: criteria provided, single submitter. Criteria: Invitae Variant Classification Sherloc (09022015). Collection method: clinical testing. Allele origin: germline.
Comment: In summary, the available evidence is currently insufficient to determine the role of this variant in disease. Therefore, it has been classified as a Variant of Uncertain Significance. Algorithms developed to predict the effect of missense changes on protein structure and function (SIFT, PolyPhen-2, Align-GVGD) all suggest that this variant is likely to be disruptive, but these predictions have not been confirmed by published functional studies and their clinical significance is uncertain. This variant has not been reported in the literature in individuals with CSRP3-related disease. This variant is not present in population databases (ExAC no frequency). This sequence change replaces cysteine with tyrosine at codon 40 of the CSRP3 protein (p.Cys40Tyr). The cysteine residue is highly conserved and there is a large physicochemical difference between cysteine and tyrosine.